The following is an entry in ClinVar:

ClinVar aggregate classification (germline): Likely benign (1 of 4 stars; one submission).

Allele frequency attached by ClinVar (database versions not stated): TOPMed below 0.00001; ExAC 0.00002; gnomAD exomes 0.00002 and 0.00003.
gnomAD v4.1: 28 of 1,613,676 alleles (0.0017%); highest among the groups gnomAD compares: Admixed American, 0.0067%; no homozygotes.

Submission:

Laboratory for Molecular Medicine, Mass General Brigham Personalized Medicine
Classification: Likely benign. Last evaluated: 2015-06-29. Review status: criteria provided, single submitter. Criteria: LMM Criteria. Collection method: clinical testing. Allele origin: germline. Observed: 1 variant allele.
Comment: p.Ala3Val in exon 01c of MITF: This variant is not expected to have clinical si gnificance because the alanine (Ala) residue at position 3 is not conserved thro ugh species, with Egyptian jerboa, elephant and Cape elephant shrew all having a valine (Val) at this position. Additional computational analyses suggest that this variant may not impact the protein. It has been identified in 1/66732 Eur opean chromosomes and 1/16512 South Asian chromosomes by the Exome Aggregation C onsortium (ExAC).

NM_001354604.2(MITF):c.105-12836C>T

Gene: MITF (melanocyte inducing transcription factor; plus strand). Cytogenetic location: 3p13.
Variant type: single nucleotide variant.
Coding change: c.105-12836C>T on transcript NM_001354604.2 (MANE Select); 12836 bases into the intron before coding-DNA position 105, C replaced by T.
Molecular consequence: intron variant. On other transcripts: missense variant (1).
Genome position (GRCh38, 1-based): chr3:69,866,298, C>T. VCF-style: chr3-69866298-C-T. GRCh37 (hg19) VCF-style: chr3-69915449-C-T.
Other names: c.8C>T, p.Ala3Val (NM_198177.3); c.54-12836C>T (NM_001354607.2); c.-52-12836C>T (NM_001354608.2, NM_001184967.2); c.105-12836C>T (NM_198159.3); c.105-12839C>T (NM_001354605.2, NM_001354606.2); c.102-12836C>T (NM_006722.3); short protein forms A3V.
Identifiers: ClinVar variation 227547 (VCV000227547.4), dbSNP rs779387274, ClinGen allele CA2490209.